The following is an entry in ClinVar:

ClinVar aggregate classification (germline): Likely benign. Review status: criteria provided, multiple submitters, no conflicts (2 of 4 stars). 2 submissions from 2 submitters: Likely benign (2). Last evaluated 2026-05-28.

Allele frequency attached by ClinVar (database versions not stated): TOPMed 0.00002; gnomAD exomes 0.00001 and 0.00002; ExAC 0.00001; gnomAD 0.00001.
gnomAD v4.1: 18 of 1,209,453 alleles (0.0015%); highest among the groups gnomAD compares: Non-Finnish European, 0.0019%; no homozygotes.

Submissions (2):

Women's Health and Genetics/Laboratory Corporation of America, LabCorp
Classification: Likely benign. Last evaluated: 2026-05-28. Review status: criteria provided, single submitter. Criteria: LabCorp Variant Classification Summary - May 2015. Collection method: clinical testing. Allele origin: germline.
Comment: Variant summary: NEXMIF c.1557T>C alters a conserved nucleotide resulting in a synonymous change. Consensus agreement among computation tools predict no significant impact on normal splicing. However, these predictions have yet to be confirmed by functional studies. The variant allele was found at a frequency of 1.5e-05 in 1209453 control chromosomes. This frequency is not significantly higher than estimated for disease-causing variants in NEXMIF, allowing no conclusion about variant significance. To our knowledge, no occurrence of c.1557T>C in individuals affected with NEXMIF-related conditions and no experimental evidence demonstrating its impact on protein function have been reported. ClinVar contains an entry for this variant (Variation ID: 1142167). Based on the evidence outlined above, the variant was classified as likely benign.

Labcorp Genetics (formerly Invitae), Labcorp
Classification: Likely benign. Last evaluated: 2025-10-10. Review status: criteria provided, single submitter. Criteria: Invitae Variant Classification Sherloc (09022015). Collection method: clinical testing. Allele origin: germline.

NM_001008537.3(NEXMIF):c.1557T>C (p.Asp519=)

Gene: NEXMIF (neurite extension and migration factor; minus strand). Cytogenetic location: Xq13.3.
Variant type: single nucleotide variant.
Coding change: c.1557T>C on transcript NM_001008537.3 (MANE Select); coding-DNA position 1557, T replaced by C.
Protein change: p.Asp519=; no amino-acid change (aspartic acid 519 retained).
Molecular consequence: synonymous variant.
Genome position (GRCh38, 1-based): chrX:74,743,000, A>G on the plus strand (T>C on the coding strand, the complement: NEXMIF is on the minus strand). VCF-style: chrX-74743000-A-G. GRCh37 (hg19) VCF-style: chrX-73962835-A-G.
Identifiers: ClinVar variation 1142167 (VCV001142167.10), dbSNP rs781742366, ClinGen allele CA10455115.